The following is an entry in ClinVar:

ClinVar aggregate classification (germline): Uncertain significance. Review status: criteria provided, multiple submitters, no conflicts (2 of 4 stars). 2 submissions from 2 submitters: Uncertain significance (2). Last evaluated 2022-07-26.

Conditions:
Progressive myoclonic epilepsy. Also called: Familial progressive myoclonic epilepsy; Myoclonic Epilepsies, Progressive; Myoclonus epilepsy; Progressive myoclonus epilepsy. Identifiers: Orphanet 308, Orphanet 98261, MedGen C0751778, MONDO:0020074.

Allele frequency attached by ClinVar (database versions not stated): gnomAD exomes below 0.00001.
gnomAD v4.1: 2 of 1,614,192 alleles (0.00012%); highest among the groups gnomAD compares: South Asian, 0.0022%; no homozygotes.

Submissions (2):

Labcorp Genetics (formerly Invitae), Labcorp
Classification: Uncertain significance for Progressive myoclonic epilepsy. Last evaluated: 2022-07-26. Review status: criteria provided, single submitter. Criteria: Invitae Variant Classification Sherloc (09022015). Collection method: clinical testing. Allele origin: germline.
Comment: This sequence change replaces methionine, which is neutral and non-polar, with valine, which is neutral and non-polar, at codon 212 of the EPM2A protein (p.Met212Val). This variant is not present in population databases (gnomAD no frequency). This variant has not been reported in the literature in individuals affected with EPM2A-related conditions. ClinVar contains an entry for this variant (Variation ID: 585849). Algorithms developed to predict the effect of missense changes on protein structure and function (SIFT, PolyPhen-2, Align-GVGD) all suggest that this variant is likely to be tolerated. Algorithms developed to predict the effect of sequence changes on RNA splicing suggest that this variant may create or strengthen a splice site. In summary, the available evidence is currently insufficient to determine the role of this variant in disease. Therefore, it has been classified as a Variant of Uncertain Significance.

Athena Diagnostics
Classification: Uncertain significance. Last evaluated: 2018-06-12. Review status: criteria provided, single submitter. Criteria: Athena Diagnostics Criteria. Collection method: clinical testing. Allele origin: germline.

NM_005670.4(EPM2A):c.634A>G (p.Met212Val)

Gene: EPM2A (EPM2A glucan phosphatase, laforin; minus strand). Cytogenetic location: 6q24.3.
Variant type: single nucleotide variant.
Coding change: c.634A>G on transcript NM_005670.4 (MANE Select); coding-DNA position 634, A replaced by G.
Protein change: p.Met212Val; replaces methionine 212 with valine.
Molecular consequence: missense variant. On other transcripts: intron variant (1).
Genome position (GRCh38, 1-based): chr6:145,635,329, T>C on the plus strand (A>G on the coding strand, the complement: EPM2A is on the minus strand). VCF-style: chr6-145635329-T-C. GRCh37 (hg19) VCF-style: chr6-145956465-T-C.
Other names: c.634A>G, p.Met212Val (NM_001018041.2, NM_001368130.1); c.220A>G, p.Met74Val (NM_001360064.2, NM_001360071.2, NM_001368131.1); c.172A>G, p.Met58Val (NM_001368129.2, NM_001368132.1); c.477-7636A>G (NM_001360057.2); short protein forms M212V, M58V, M74V.
Identifiers: ClinVar variation 585849 (VCV000585849.10), dbSNP rs1562424241, ClinGen allele CA366191152.